The following is an entry in ClinVar:

NM_000186.4(CFH):c.518C>G (p.Ala173Gly)

Gene: CFH (complement factor H; plus strand). Cytogenetic location: 1q31.3.
Variant type: single nucleotide variant.
Coding change: c.518C>G on transcript NM_000186.4 (MANE Select); coding-DNA position 518, C replaced by G.
Protein change: p.Ala173Gly; replaces alanine 173 with glycine.
Molecular consequence: missense variant.
Genome position (GRCh38, 1-based): chr1:196,677,566, C>G. VCF-style: chr1-196677566-C-G. GRCh37 (hg19) VCF-style: chr1-196646696-C-G.
Other names: c.518C>G, p.Ala173Gly (NM_001014975.3); short protein forms A173G.
Identifiers: ClinVar variation 4291292 (VCV004291292.2).

ClinVar aggregate classification (germline): Uncertain significance (1 of 4 stars; one submission).

Conditions:
Age related macular degeneration 4. Identifiers: MedGen C1853147, MONDO:0012540, OMIM 610698.

Submission:

Genomenon, Inc
Classification: Uncertain significance for Age related macular degeneration 4. Last evaluated: 2026-09-17. Review status: criteria provided, single submitter. Criteria: Genomenon Sequence Variant Interpretation Standards - Updated. Collection method: curation. Allele origin: germline. Affected: yes.
Comment: CFH p.Ala173Gly (c.518C>G) is a missense variant that changes the amino acid at codon 173 from alanine to glycine. This variant has been observed in at least one proband affected with age-related macular degeneration (PMID: 25814826; 29888403). Functional studies have been reported (PMID: 34508573). It is absent or not present at a significant frequency in gnomAD. In conclusion, we classify CFH p.Ala173Gly (c.518C>G) as a variant of uncertain significance.

Literature cited by the submitters: PubMed 25814826; PubMed 29888403; PubMed 34508573.